The following is an entry in ClinVar:

NM_006019.4(TCIRG1):c.1715del (p.Pro572fs)

Gene: TCIRG1 (T cell immune regulator 1, ATPase H+ transporting V0 subunit a3; plus strand). Cytogenetic location: 11q13.2.
Variant type: Deletion.
Coding change: c.1715del on transcript NM_006019.4 (MANE Select); coding-DNA position 1715, one base deleted (C; older notation c.1715delC).
Protein change: p.Pro572fs; shifts the reading frame from proline 572.
Molecular consequence: frameshift variant.
Genome position (GRCh38, 1-based): chr11:68,049,122, C deleted; the last of 2 consecutive C bases (chr11:68,049,121-68,049,122); deleting either gives the same sequence. VCF-style (leftmost placement, unchanged base first): chr11-68049120-GC-G. GRCh37 (hg19) VCF-style: chr11-67816587-GC-G.
Other names: c.821del, p.Pro274fs (NM_001351059.2); c.1715del, p.Pro572fs (NM_001440552.1, NM_001440553.1, NM_001440554.1 and 2 more transcripts); c.1673del, p.Pro558fs (NM_001440555.1, NM_001440556.1, NM_001440563.1); c.1502del, p.Pro501fs (NM_001440559.1, NM_001440560.1, NM_001440561.1 and 2 more transcripts); c.1460del, p.Pro487fs (NM_001440564.1); c.1415del, p.Pro472fs (NM_001440565.1); c.1253del, p.Pro418fs (NM_001440567.1); c.1247del, p.Pro416fs (NM_001440568.1); and 2 more; short protein forms P252fs, P274fs, P356fs, P416fs, P418fs, P472fs, P487fs, P501fs.
Identifiers: ClinVar variation 4815480 (VCV004815480.1).
Genomic context (GRCh38, chr11:68,049,120, plus strand): 5'-CACCTCCCTCTTGCCCGCCAGGCACTTTGGCCAGAGGCACCGGCTGCTGCTGGAGACGCT[GC>G]CGGAGCTCACCTTCCTGCTGGGACTCTTCGGTTACCTCGTGTTCCTAGTCATCTACAAGT-3'

ClinVar aggregate classification (germline): Likely pathogenic (1 of 4 stars; one submission).

Conditions:
Autosomal recessive osteopetrosis 1. Also called: ALBERS-SCHONBERG DISEASE, AUTOSOMAL RECESSIVE; TCIRG1-Related Autosomal Recessive Osteopetrosis; TCIRG1-Related Osteopetrosis. Identifiers: Orphanet 667, MedGen C1850127, MONDO:0009815, OMIM 259700.

Submission:

Natera, Inc.
Classification: Likely pathogenic for Infantile malignant osteopetrosis. Last evaluated: 2024-05-08. Review status: criteria provided, single submitter. Criteria: Natera Variant Classification Schema (03/2026). Collection method: clinical testing. Allele origin: germline.
Comment: The c.1715delC variant in TCIRG1 is a frameshift variant predicted to shift the reading frame beginning at codon 572 and leads to a stop codon 16 codons downstream. This variant is expected to result in nonsense mediated decay, truncation, or a dysfunctional protein product. This variant is rare in the general population with a frequency below the threshold expected for the associated phenotype(s). Given the available evidence, this variant is classified as Likely Pathogenic.